The following is an entry in ClinVar:

NM_000277.3(PAH):c.990G>C (p.Glu330Asp)

Gene: PAH (phenylalanine hydroxylase; minus strand). Cytogenetic location: 12q23.2.
Variant type: single nucleotide variant.
Coding change: c.990G>C on transcript NM_000277.3 (MANE Select); coding-DNA position 990, G replaced by C.
Protein change: p.Glu330Asp; replaces glutamic acid 330 with aspartic acid.
Molecular consequence: missense variant.
Genome position (GRCh38, 1-based): chr12:102,844,411, C>G on the plus strand (G>C on the coding strand, the complement: PAH is on the minus strand). VCF-style: chr12-102844411-C-G. GRCh37 (hg19) VCF-style: chr12-103238189-C-G.
Other names: c.990G>C, p.Glu330Asp (NM_001354304.2); short protein forms E330D.
Identifiers: ClinVar variation 102924 (VCV000102924.6), dbSNP rs62508580, ClinGen allele CA229893.

ClinVar aggregate classification (germline): Likely pathogenic. Review status: criteria provided, multiple submitters, no conflicts (2 of 4 stars). 3 submissions from 3 submitters: Likely pathogenic (2). 1 of the submissions does not count toward it. Last evaluated 2024-04-18.

Conditions:
Phenylketonuria (PKU). Also called: Phenylketonuria (PKU); FOLLING DISEASE; OLIGOPHRENIA PHENYLPYRUVICA; Phenylketonurias. Identifiers: Orphanet 716, MedGen C0031485, MONDO:0009861, OMIM 261600. Disease mechanism: loss of function.

Submissions (3):

GeneDx
Classification: Likely pathogenic. Last evaluated: 2024-04-18. Review status: criteria provided, single submitter. Criteria: GeneDx Variant Classification Process June 2021. Collection method: clinical testing. Allele origin: germline. Affected: yes.
Comment: Not observed at significant frequency in large population cohorts (gnomAD); In silico analysis supports that this missense variant has a deleterious effect on protein structure/function; This variant is associated with the following publications: (PMID: 32668217, 10679941, 12649065)

Labcorp Genetics (formerly Invitae), Labcorp
Classification: Likely pathogenic for Phenylketonuria. Last evaluated: 2022-01-18. Review status: criteria provided, single submitter. Criteria: Invitae Variant Classification Sherloc (09022015). Collection method: clinical testing. Allele origin: germline.
Comment: In summary, the currently available evidence indicates that the variant is pathogenic, but additional data are needed to prove that conclusively. Therefore, this variant has been classified as Likely Pathogenic. Advanced modeling of protein sequence and biophysical properties (such as structural, functional, and spatial information, amino acid conservation, physicochemical variation, residue mobility, and thermodynamic stability) performed at Invitae indicates that this missense variant is expected to disrupt PAH protein function. ClinVar contains an entry for this variant (Variation ID: 102924). This missense change has been observed in individual(s) with phenylketonuria (PMID: 10679941). In at least one individual the data is consistent with being in trans (on the opposite chromosome) from a pathogenic variant. This variant is not present in population databases (gnomAD no frequency). This sequence change replaces glutamic acid, which is acidic and polar, with aspartic acid, which is acidic and polar, at codon 330 of the PAH protein (p.Glu330Asp).

DeBelle Laboratory for Biochemical Genetics, MUHC/MCH RESEARCH INSTITUTE
No classification provided. Review status: no classification provided. Collection method: not provided. Allele origin: not provided. Not counted in ClinVar's aggregate classification.

Literature cited by the submitters: PubMed 10679941 (cited by Labcorp Genetics (formerly Invitae), Labcorp).